The following is an entry in ClinVar:

NM_001369.3(DNAH5):c.9761delinsTT (p.Lys3254fs)

Gene: DNAH5 (dynein axonemal heavy chain 5; minus strand). Cytogenetic location: 5p15.2.
Variant type: Indel.
Coding change: c.9761delinsTT on transcript NM_001369.3 (MANE Select); coding-DNA position 9761, A replaced by TT.
Protein change: p.Lys3254fs; shifts the reading frame from lysine 3254.
Molecular consequence: frameshift variant.
Genome position (GRCh38, 1-based): chr5:13,769,096, T replaced by AA on the plus strand (A replaced by TT on the coding strand, the reverse complement: DNAH5 is on the minus strand). VCF-style: chr5-13769096-T-AA. GRCh37 (hg19) VCF-style: chr5-13769205-T-AA.
Other names: short protein forms K3254fs.
Identifiers: ClinVar variation 5011223 (VCV005011223.1).

ClinVar aggregate classification (germline): Pathogenic (1 of 4 stars; one submission).

Conditions:
Primary ciliary dyskinesia 3. Identifiers: Orphanet 244, MedGen C1837618, MONDO:0012085, OMIM 608644.

Submission:

Myriad Genetics, Inc.
Classification: Pathogenic for Primary ciliary dyskinesia 3. Last evaluated: 2024-05-14. Review status: criteria provided, single submitter. Criteria: Myriad Autosomal Dominant, Autosomal Recessive and X-Linked Classification Criteria (2023). Collection method: clinical testing. Allele origin: unknown.
Comment: NM_001369.2(DNAH5):c.9761delAinsTT(K3254Ifs*5) is expected to be pathogenic in the context of primary ciliary dyskinesia, DNAH5-related. This variant is predicted to lead to an abnormal or absent protein product due to the creation of a premature termination codon in DNAH5, a gene where loss-of-function variants are known to be pathogenic. Please note: this variant was assessed in the context of healthy population screening.